The following is an entry in ClinVar:

ClinVar aggregate classification (germline): Uncertain significance (1 of 4 stars; one submission).

Conditions:
Sulfite oxidase deficiency due to molybdenum cofactor deficiency type A. Also called: Molybdenum cofactor deficiency, complementation group A; Molybdenum Cofactor Deficiency A. Identifiers: Orphanet 308386, Orphanet 833, MedGen C1854988, MONDO:0009643, OMIM 252150.

Allele frequency attached by ClinVar (database versions not stated): TOPMed 0.00001.
gnomAD v4.1: 13 of 1,612,614 alleles (0.00081%); highest among the groups gnomAD compares: East Asian, 0.0067%; no homozygotes.

Submission:

Labcorp Genetics (formerly Invitae), Labcorp
Classification: Uncertain significance for Sulfite oxidase deficiency due to molybdenum cofactor deficiency type A. Last evaluated: 2022-06-29. Review status: criteria provided, single submitter. Criteria: Invitae Variant Classification Sherloc (09022015). Collection method: clinical testing. Allele origin: germline.
Comment: This sequence change replaces proline, which is neutral and non-polar, with leucine, which is neutral and non-polar, at codon 94 of the MOCS1 protein (p.Pro94Leu). This variant is present in population databases (no rsID available, gnomAD 0.003%). This variant has not been reported in the literature in individuals affected with MOCS1-related conditions. Algorithms developed to predict the effect of missense changes on protein structure and function are either unavailable or do not agree on the potential impact of this missense change (SIFT: "Not Available"; PolyPhen-2: "Benign"; Align-GVGD: "Not Available"). In summary, the available evidence is currently insufficient to determine the role of this variant in disease. Therefore, it has been classified as a Variant of Uncertain Significance.

NM_001358530.2(MOCS1):c.281C>T (p.Pro94Leu)

Gene: MOCS1 (molybdenum cofactor synthesis 1; minus strand). Cytogenetic location: 6p21.2.
Variant type: single nucleotide variant.
Coding change: c.281C>T on transcript NM_001358530.2 (MANE Select); coding-DNA position 281, C replaced by T.
Protein change: p.Pro94Leu; replaces proline 94 with leucine.
Molecular consequence: missense variant. On other transcripts: non-coding transcript variant (1).
Genome position (GRCh38, 1-based): chr6:39,925,815, G>A on the plus strand (C>T on the coding strand, the complement: MOCS1 is on the minus strand). VCF-style: chr6-39925815-G-A. GRCh37 (hg19) VCF-style: chr6-39893559-G-A.
Other names: c.281C>T, p.Pro94Leu (NM_001075098.4, NM_001358529.2, NM_005943.6); c.20C>T, p.Pro7Leu (NM_001358531.2, NM_001358533.2, NM_001358534.2); short protein forms P7L, P94L.
Identifiers: ClinVar variation 1445108 (VCV001445108.3), dbSNP rs769807132, ClinGen allele CA137655032.